The following is an entry in ClinVar:

NM_000016.6(ACADM):c.999_1011dup (p.Gln338Ter)

Gene: ACADM (acyl-CoA dehydrogenase medium chain; plus strand). Cytogenetic location: 1p31.1.
Variant type: Duplication.
Coding change: c.999_1011dup on transcript NM_000016.6 (MANE Select); coding-DNA positions 999 to 1011, 13 bases duplicated (TAGAATGAGTTAC).
Protein change: p.Gln338Ter; replaces glutamine 338 with a stop codon.
Molecular consequence: nonsense.
Genome position (GRCh38, 1-based): chr1:75,761,175-75,761,187, TAGAATGAGTTAC duplicated; duplicating any 13 consecutive bases within chr1:75,761,174-75,761,187 gives the same sequence; the c. name uses the placement nearest the transcript's 3' end. VCF-style (leftmost placement, unchanged base first): chr1-75761173-G-GCTAGAATGAGTTA. GRCh37 (hg19) VCF-style: chr1-76226858-G-GCTAGAATGAGTTA.
Other names: c.999_1011dupTAGAATGAGTTAC (NM_000016.5, NM_000016.4); c.999_1011dup13 (NM_000016.5); c.1011_1023dup, p.Gln342Ter (NM_001127328.3); c.891_903dup, p.Gln302Ter (NM_001286042.2); c.1098_1110dup, p.Gln371Ter (NM_001286043.2); c.432_444dup, p.Gln149Ter (NM_001286044.2); short protein forms Q149*, Q342*, Q338*, Q371*, Q302*.
Identifiers: ClinVar variation 3587 (VCV000003587.32), dbSNP rs1225471006, ClinGen allele CA252823.

ClinVar aggregate classification (germline): Pathogenic. Review status: criteria provided, multiple submitters, no conflicts (2 of 4 stars). 11 submissions from 11 submitters: Pathogenic (9). 2 of the submissions do not count toward it. Last evaluated 2026-08-12.

Conditions:
ACADM-related disorder. Also called: ACADM-related condition.
Medium-chain acyl-coenzyme A dehydrogenase deficiency (ACADMD). Also called: CARNITINE DEFICIENCY SECONDARY TO MEDIUM-CHAIN ACYL-CoA DEHYDROGENASE DEFICIENCY; MCADD; ACADM DEFICIENCY; MCAD Deficiency; Medium chain acyl-CoA dehydrogenase deficiency; MCADH DEFICIENCY. Identifiers: Orphanet 42, MedGen C0220710, MONDO:0008721, OMIM 201450.

Submissions (11):

PreventionGenetics, part of Exact Sciences
Classification: Pathogenic for ACADM-related condition. Last evaluated: 2026-08-12. Review status: criteria provided, single submitter. Criteria: ACMG Guidelines, 2015. Collection method: clinical testing. Allele origin: germline.
Comment: The ACADM c.999_1011dup13 variant is predicted to result in premature protein termination (p.Gln338*). This variant has been reported in individuals with MCAD deficiency (Yokota et al. 1991. PubMed ID: 1684086; referred to as c.997_998insCTAGAATGAGTTA in Suppl. Table 5, Adhikari. 2020. PubMed ID: 32778825; Alcaide et al. 2022. PubMed ID: 35629059). Functional studies have demonstrated low residual activity in patients' cells (Yokota et al. 1991. PubMed ID: 1684086; Alcaide et al. 2022. PubMed ID: 35629059). This variant is reported in 0.0056% of alleles in individuals of Latino descent in gnomAD. Loss-of-function variants in ACADM, like this nonsense variant, are expected to be pathogenic. This variant is interpreted as pathogenic.

Natera, Inc.
Classification: Pathogenic for Medium Chain Acyl-CoA Dehydrogenase Deficiency. Last evaluated: 2026-01-12. Review status: criteria provided, single submitter. Criteria: Natera Variant Classification Schema (03/2026). Collection method: clinical testing. Allele origin: germline.
Comment: The c.999_1011dupTAGAATGAGTTAC variant in ACADM is a frameshift variant predicted to shift the reading frame and introduce a stop codon. This variant is expected to result in nonsense mediated decay, truncation, or a dysfunctional protein product. This variant is rare in the general population with a frequency below the threshold expected for the associated phenotype(s). This variant has been observed in one or more individuals affected with the associated recessive disease, as either homozygous or compound heterozygous with a second variant (PMID: 35629059). Given the available evidence, this variant is classified as Pathogenic.

Labcorp Genetics (formerly Invitae), Labcorp
Classification: Pathogenic for Medium-chain acyl-coenzyme A dehydrogenase deficiency. Last evaluated: 2025-09-16. Review status: criteria provided, single submitter. Criteria: Invitae Variant Classification Sherloc (09022015). Collection method: clinical testing. Allele origin: germline.
Comment: This sequence change creates a premature translational stop signal (p.Gln338*) in the ACADM gene. It is expected to result in an absent or disrupted protein product. Loss-of-function variants in ACADM are known to be pathogenic (PMID: 16121256, 20434380). This variant is present in population databases (rs769130583, gnomAD 0.006%). This premature translational stop signal has been observed in individual(s) with MCAD deficiency (PMID: 1684086). ClinVar contains an entry for this variant (Variation ID: 3587). Algorithms developed to predict the effect of sequence changes on RNA splicing suggest that this variant may disrupt the consensus splice site. For these reasons, this variant has been classified as Pathogenic.

Baylor Genetics
Classification: Pathogenic for Medium-chain acyl-coenzyme A dehydrogenase deficiency. Last evaluated: 2024-03-30. Review status: criteria provided, single submitter. Criteria: ACMG Guidelines, 2015. Collection method: clinical testing. Allele origin: unknown.

Fulgent Genetics
Classification: Pathogenic for Medium-chain acyl-coenzyme A dehydrogenase deficiency. Last evaluated: 2024-03-14. Review status: criteria provided, single submitter. Criteria: ACMG Guidelines, 2015. Collection method: clinical testing. Allele origin: germline.

GeneDx
Classification: Pathogenic. Last evaluated: 2023-08-31. Review status: criteria provided, single submitter. Criteria: GeneDx Variant Classification Process June 2021. Collection method: clinical testing. Allele origin: germline. Affected: yes.
Comment: Nonsense variant predicted to result in protein truncation or nonsense mediated decay in a gene for which loss-of-function is a known mechanism of disease; Not observed at significant frequency in large population cohorts (gnomAD); This variant is associated with the following publications: (PMID: 2394825, 6434827, 32778825, 1594327, 1684086, 36840705)

Women's Health and Genetics/Laboratory Corporation of America, LabCorp
Classification: Pathogenic for Medium-chain acyl-coenzyme A dehydrogenase deficiency. Last evaluated: 2022-03-05. Review status: criteria provided, single submitter. Criteria: LabCorp Variant Classification Summary - May 2015. Collection method: clinical testing. Allele origin: germline.
Comment: Variant summary: ACADM c.999_1011dup13 (p.Gln338X) results in a premature termination codon, predicted to cause a truncation of the encoded protein or absence of the protein due to nonsense mediated decay (NMD), which are commonly known mechanisms for disease. A truncation downstream of this position has been classified as pathogenic by our laboratory. The variant allele was found at a frequency of 3.2e-05 in 251404 control chromosomes (gnomAD). c.999_1011dup13 has been reported in the literature in a compound heterozygous patient affected with Medium Chain Acyl-CoA Dehydrogenase Deficiency (Yokota_1990; Yokota_1991). These authors also reported experimental evidence evaluating an impact on protein function, and demonstrated findings consistent with NMD in patient derived fibroblasts, i.e. the lack of stable mRNA- and protein product, together with a significantly decreased enzyme activity (Coates_1992). Three other clinical diagnostic laboratories have submitted clinical-significance assessments for this variant to ClinVar after 2014, and all laboratories classified the variant as pathogenic. Based on the evidence outlined above, the variant was classified as pathogenic.

Quest Diagnostics Nichols Institute San Juan Capistrano
Classification: Pathogenic. Last evaluated: 2021-07-21. Review status: criteria provided, single submitter. Criteria: Quest Diagnostics criteria. Collection method: clinical testing. Allele origin: unknown.
Comment: The frameshift variant causes the premature termination of ACADM protein synthesis. In the published literature, it has been reported in a compound heterozygous individual affected with MCAD and without detectable amounts of ACADM protein (PMID: 1684086 (1991)). Based on the available information, this variant is classified as pathogenic.

Eurofins Ntd Llc (ga)
Classification: Pathogenic. Last evaluated: 2016-06-26. Review status: criteria provided, single submitter. Criteria: EGL Classification Definitions. Collection method: clinical testing. Allele origin: germline. Observed: 1 variant allele, 1 heterozygote.

Counsyl
Classification: Likely pathogenic for Medium-chain acyl-coenzyme A dehydrogenase deficiency. Last evaluated: 2014-07-07. Review status: no assertion criteria provided. Collection method: literature only. Allele origin: unknown. Inheritance: Autosomal recessive inheritance. Not counted in ClinVar's aggregate classification.

OMIM
Classification: Pathogenic for MCAD DEFICIENCY. Last evaluated: 1996-07-01. Review status: no assertion criteria provided. Collection method: literature only. Allele origin: germline. Not counted in ClinVar's aggregate classification.

Literature cited by the submitters: PubMed 35629059 (cited by Natera, Inc.); PubMed 16121256 (cited by Labcorp Genetics (formerly Invitae), Labcorp); PubMed 20434380 (cited by Labcorp Genetics (formerly Invitae), Labcorp); PubMed 1684086 (cited by 5 submitters); PubMed 2394825 (cited by 3 submitters); PubMed 1594327 (cited by Women's Health and Genetics/Laboratory Corporation of America, LabCorp and Quest Diagnostics Nichols Institute San Juan Capistrano); PubMed 6434827 (cited by Counsyl); PubMed 8682492 (cited by OMIM).